The following is an entry in ClinVar:

ClinVar aggregate classification (germline): Uncertain significance (1 of 4 stars; one submission).

Submission:

GeneDx
Classification: Uncertain significance. Last evaluated: 2024-05-26. Review status: criteria provided, single submitter. Criteria: GeneDx Variant Classification Process June 2021. Collection method: clinical testing. Allele origin: germline. Affected: yes.
Comment: Not observed at significant frequency in large population cohorts (gnomAD); In silico analysis indicates that this missense variant does not alter protein structure/function; Has not been previously published as pathogenic or benign to our knowledge

NM_001366521.1(ATP2B1):c.3434T>A (p.Met1145Lys)

Gene: ATP2B1 (ATPase plasma membrane Ca2+ transporting 1; minus strand). Cytogenetic location: 12q21.33.
Variant type: single nucleotide variant.
Coding change: c.3434T>A on transcript NM_001366521.1 (MANE Select); coding-DNA position 3434, T replaced by A.
Protein change: p.Met1145Lys; replaces methionine 1145 with lysine.
Molecular consequence: missense variant. On other transcripts: 3 prime UTR variant (9), non-coding transcript variant (3).
Genome position (GRCh38, 1-based): chr12:89,591,213, A>T on the plus strand (T>A on the coding strand, the complement: ATP2B1 is on the minus strand). VCF-style: chr12-89591213-A-T. GRCh37 (hg19) VCF-style: chr12-89984990-A-T.
Other names: c.*57T>A (NM_001001323.2, NM_001366523.1, NM_001366528.1 and 2 more transcripts); c.3434T>A, p.Met1145Lys (NM_001366520.1, NM_001366522.1, NM_001413046.1 and 2 more transcripts); c.3521T>A, p.Met1174Lys (NM_001366524.1, NM_001366525.1); c.*70T>A (NM_001366526.1, NM_001366527.1, NM_001366529.1 and 1 more transcripts); c.3395T>A, p.Met1132Lys (NM_001413048.1); c.3326T>A, p.Met1109Lys (NM_001413049.1, NM_001413050.1); c.3293T>A, p.Met1098Lys (NM_001413051.1, NM_001413052.1); c.3236T>A, p.Met1079Lys (NM_001413053.1); and 5 more; short protein forms M1060K, M1062K, M1064K, M1079K, M1098K, M1109K, M1132K, M1145K.
Identifiers: ClinVar variation 3383551 (VCV003383551.1).